The following is an entry in ClinVar:

NM_170606.3(KMT2C):c.14279C>T (p.Ser4760Leu)

Gene: KMT2C (lysine methyltransferase 2C; minus strand). Cytogenetic location: 7q36.1.
Variant type: single nucleotide variant.
Coding change: c.14279C>T on transcript NM_170606.3 (MANE Select); coding-DNA position 14279, C replaced by T.
Protein change: p.Ser4760Leu; replaces serine 4760 with leucine.
Molecular consequence: missense variant.
Genome position (GRCh38, 1-based): chr7:152,144,777, G>A on the plus strand (C>T on the coding strand, the complement: KMT2C is on the minus strand). VCF-style: chr7-152144777-G-A. GRCh37 (hg19) VCF-style: chr7-151841862-G-A.
Other names: short protein forms S4760L.
Identifiers: ClinVar variation 3252395 (VCV003252395.1), dbSNP rs2129092735.

ClinVar aggregate classification (germline): Uncertain significance (1 of 4 stars; one submission).

Submission:

GeneDx
Classification: Uncertain significance. Last evaluated: 2023-12-07. Review status: criteria provided, single submitter. Criteria: GeneDx Variant Classification Process June 2021. Collection method: clinical testing. Allele origin: germline. Affected: yes.
Comment: Not observed at significant frequency in large population cohorts (gnomAD); In silico analysis supports that this missense variant has a deleterious effect on protein structure/function; Has not been previously published as pathogenic or benign to our knowledge